The following is an entry in ClinVar:

ClinVar aggregate classification (germline): Pathogenic (1 of 4 stars; one submission).

Conditions:
Noonan syndrome 3 (NS3). Also called: KRAS-Related Noonan Syndrome. Identifiers: Orphanet 648, MedGen C1860991, MONDO:0012371, OMIM 609942.

Submission:

Institute of Human Genetics, FAU Erlangen, Friedrich-Alexander-Universität Erlangen-Nürnberg
Classification: Pathogenic for Noonan syndrome 3. Last evaluated: 2017-08-01. Review status: criteria provided, single submitter. Criteria: ACMG Guidelines, 2015. Collection method: clinical testing. Allele origin: unknown. Inheritance: Sporadic. Affected: yes. Observed: 1 variant allele, 1 heterozygote.

NM_033360.4(KRAS):c.440A>G (p.Lys147Arg)

Gene: KRAS (KRAS proto-oncogene, GTPase; minus strand). Cytogenetic location: 12p12.1.
Variant type: single nucleotide variant.
Coding change: c.440A>G on transcript NM_033360.4 (MANE Plus Clinical); coding-DNA position 440, A replaced by G.
Protein change: p.Lys147Arg; replaces lysine 147 with arginine.
Molecular consequence: missense variant.
Genome position (GRCh38, 1-based): chr12:25,225,624, T>C on the plus strand (A>G on the coding strand, the complement: KRAS is on the minus strand). VCF-style: chr12-25225624-T-C. GRCh37 (hg19) VCF-style: chr12-25378558-T-C.
Other names: c.440A>G, p.Lys147Arg (LRG_344t1, LRG_344t2, NM_001369786.1 and 2 more transcripts); short protein forms K147R.
Identifiers: ClinVar variation 431103 (VCV000431103.2), dbSNP rs1135401776, ClinGen allele CA384151064.